The following is an entry in ClinVar:

NM_006767.4(LZTR1):c.901G>A (p.Gly301Ser)

Gene: LZTR1 (leucine zipper like post translational regulator 1; plus strand). Cytogenetic location: 22q11.21.
Variant type: single nucleotide variant.
Coding change: c.901G>A on transcript NM_006767.4 (MANE Select); coding-DNA position 901, G replaced by A.
Protein change: p.Gly301Ser; replaces glycine 301 with serine.
Molecular consequence: missense variant.
Genome position (GRCh38, 1-based): chr22:20,991,737, G>A. VCF-style: chr22-20991737-G-A. GRCh37 (hg19) VCF-style: chr22-21346026-G-A.
Other names: short protein forms G301S.
Identifiers: ClinVar variation 1765499 (VCV001765499.2), dbSNP rs1372731834, ClinGen allele CA410781382.
Genomic context (GRCh38, chr22:20,991,737, plus strand): 5'-CCGCAGCGGCGCTACGGGCATACCATGGTGGCCTTTGACCGCCACCTCTATGTGTTTGGG[G>A]GTGCGGCCGACAACACGCTGCCCAACGAGCTGCACTGCTATGACGTGGACTTCCAGACCT-3'
Protein context (NP_006758.2, residues 291-311): AFDRHLYVFG[Gly301Ser]AADNTLPNEL

ClinVar aggregate classification (germline): Uncertain significance (1 of 4 stars; one submission).

Conditions:
Cardiovascular phenotype. Identifiers: MedGen CN230736.
Hereditary cancer-predisposing syndrome. Also called: Neoplastic Syndromes, Hereditary; Tumor predisposition; Hereditary Cancer Syndrome; Hereditary neoplastic syndrome. Identifiers: Orphanet 140162, MedGen C0027672, MeSH D009386, MONDO:0015356.

Allele frequency attached by ClinVar (database versions not stated): gnomAD exomes below 0.00001.
gnomAD v4.1: 1 of 1,574,786 alleles (0.000064%); highest among the groups gnomAD compares: East Asian, 0.0023%; no homozygotes.

Submission:

Ambry Genetics
Classification: Uncertain significance for Cardiovascular phenotype; Hereditary cancer-predisposing syndrome. Last evaluated: 2020-09-30. Review status: criteria provided, single submitter. Criteria: Ambry Variant Classification Scheme 2023. Collection method: clinical testing. Allele origin: germline.
Comment: The p.G301S variant (also known as c.901G>A), located in coding exon 9 of the LZTR1 gene, results from a G to A substitution at nucleotide position 901. The glycine at codon 301 is replaced by serine, an amino acid with similar properties. This amino acid position is highly conserved in available vertebrate species. In addition, this alteration is predicted to be deleterious by in silico analysis. Since supporting evidence is limited at this time, the clinical significance of this alteration remains unclear.